The following is an entry in ClinVar:

NM_001024630.4(RUNX2):c.977G>T (p.Gly326Val)

Gene: RUNX2 (RUNX family transcription factor 2; plus strand). Cytogenetic location: 6p21.1.
Variant type: single nucleotide variant.
Coding change: c.977G>T on transcript NM_001024630.4 (MANE Select); coding-DNA position 977, G replaced by T.
Protein change: p.Gly326Val; replaces glycine 326 with valine.
Molecular consequence: missense variant.
Genome position (GRCh38, 1-based): chr6:45,512,363, G>T. VCF-style: chr6-45512363-G-T. GRCh37 (hg19) VCF-style: chr6-45480100-G-T.
Other names: c.935G>T, p.Gly312Val (NM_001369405.1, NM_001278478.2); c.977G>T, p.Gly326Val (NM_001015051.4); short protein forms G312V, G326V.
Identifiers: ClinVar variation 3685388 (VCV003685388.2).

ClinVar aggregate classification (germline): Uncertain significance (1 of 4 stars; one submission).

gnomAD v4.1: 13 of 1,614,068 alleles (0.00081%); highest among the groups gnomAD compares: Admixed American, 0.0017%; no homozygotes.

Submission:

Labcorp Genetics (formerly Invitae), Labcorp
Classification: Uncertain significance. Last evaluated: 2024-02-24. Review status: criteria provided, single submitter. Criteria: Invitae Variant Classification Sherloc (09022015). Collection method: clinical testing. Allele origin: germline.
Comment: This sequence change replaces glycine, which is neutral and non-polar, with valine, which is neutral and non-polar, at codon 326 of the RUNX2 protein (p.Gly326Val). This variant is present in population databases (rs143092997, gnomAD 0.003%). This variant has not been reported in the literature in individuals affected with RUNX2-related conditions. Advanced modeling of protein sequence and biophysical properties (such as structural, functional, and spatial information, amino acid conservation, physicochemical variation, residue mobility, and thermodynamic stability) performed at Invitae indicates that this missense variant is not expected to disrupt RUNX2 protein function with a negative predictive value of 80%. In summary, the available evidence is currently insufficient to determine the role of this variant in disease. Therefore, it has been classified as a Variant of Uncertain Significance.